The following is an entry in ClinVar:

ClinVar aggregate classification (germline): Uncertain significance (1 of 4 stars; one submission).

Conditions:
Glycogen storage disease type III (GSD3). Also called: Cori disease; FORBES DISEASE. Identifiers: Orphanet 366, MedGen C0017922, MONDO:0009291, OMIM 232400.

Submission:

Labcorp Genetics (formerly Invitae), Labcorp
Classification: Uncertain significance for Glycogen storage disease type III. Last evaluated: 2021-08-24. Review status: criteria provided, single submitter. Criteria: Invitae Variant Classification Sherloc (09022015). Collection method: clinical testing. Allele origin: germline.
Comment: This sequence change replaces cysteine with serine at codon 1165 of the AGL protein (p.Cys1165Ser). The cysteine residue is weakly conserved and there is a moderate physicochemical difference between cysteine and serine. This variant is not present in population databases (ExAC no frequency). This variant has not been reported in the literature in individuals affected with AGL-related conditions. Algorithms developed to predict the effect of missense changes on protein structure and function (SIFT, PolyPhen-2, Align-GVGD) all suggest that this variant is likely to be tolerated. In summary, the available evidence is currently insufficient to determine the role of this variant in disease. Therefore, it has been classified as a Variant of Uncertain Significance.

NM_000642.3(AGL):c.3493T>A (p.Cys1165Ser)

Gene: AGL (amylo-alpha-1,6-glucosidase and 4-alpha-glucanotransferase; plus strand). Cytogenetic location: 1p21.2.
Variant type: single nucleotide variant.
Coding change: c.3493T>A on transcript NM_000642.3 (MANE Select); coding-DNA position 3493, T replaced by A.
Protein change: p.Cys1165Ser; replaces cysteine 1165 with serine.
Molecular consequence: missense variant.
Genome position (GRCh38, 1-based): chr1:99,900,766, T>A. VCF-style: chr1-99900766-T-A. GRCh37 (hg19) VCF-style: chr1-100366322-T-A.
Other names: c.3493T>A, p.Cys1165Ser (NM_000028.3, NM_000643.3, NM_000644.3 and 1 more transcripts); c.3445T>A, p.Cys1149Ser (NM_000646.3); c.3472T>A, p.Cys1158Ser (NM_001425326.1); c.3292T>A, p.Cys1098Ser (NM_001425327.1); c.3289T>A, p.Cys1097Ser (NM_001425328.1); c.3154T>A, p.Cys1052Ser (NM_001425329.1); c.3115T>A, p.Cys1039Ser (NM_001425332.1); short protein forms C1149S, C1165S, C1039S, C1052S, C1097S, C1098S, C1158S.
Identifiers: ClinVar variation 651097 (VCV000651097.6), dbSNP rs1570482637, ClinGen allele CA341331859.